The following is an entry in ClinVar:

NM_080732.4(EGLN2):c.914G>A (p.Gly305Glu)

Genes: EGLN2 (egl-9 family hypoxia inducible factor 2; plus strand), RAB4B-EGLN2 (RAB4B-EGLN2 readthrough (NMD candidate); plus strand). Cytogenetic location: 19q13.2.
Variant type: single nucleotide variant.
Coding change: c.914G>A on transcript NM_080732.4 (MANE Select); coding-DNA position 914, G replaced by A.
Protein change: p.Gly305Glu; replaces glycine 305 with glutamic acid.
Molecular consequence: missense variant. On other transcripts: non-coding transcript variant (1).
Genome position (GRCh38, 1-based): chr19:40,806,625, G>A. VCF-style: chr19-40806625-G-A. GRCh37 (hg19) VCF-style: chr19-41312530-G-A.
Other names: c.914G>A, p.Gly305Glu (NM_053046.4); short protein forms G305E.
Identifiers: ClinVar variation 2449368 (VCV002449368.2), dbSNP rs2516006491, ClinGen allele CA405956257.
Genomic context (GRCh38, chr19:40,806,625, plus strand): 5'-CGTGTTACCCAGGCAACGGGCTCGGGTACGTAAGGCACGTTGACAATCCCCACGGCGATG[G>A]GCGCTGCATCACCTGTATCTATTACCTGAATCAGAACTGGGACGTTAAGGTAGGGGTGAG-3'
Protein context (NP_542770.2, residues 295-315): VRHVDNPHGD[Gly305Glu]RCITCIYYLN

ClinVar aggregate classification (germline): Uncertain significance (1 of 4 stars; one submission).

Submission:

Ambry Genetics
Classification: Uncertain significance. Last evaluated: 2023-02-10. Review status: criteria provided, single submitter. Criteria: Ambry Variant Classification Scheme 2023. Collection method: clinical testing. Allele origin: germline.
Comment: The p.G305E variant (also known as c.914G>A), located in coding exon 2 of the EGLN2 gene, results from a G to A substitution at nucleotide position 914. The glycine at codon 305 is replaced by glutamic acid, an amino acid with similar properties. This amino acid position is conserved. In addition, this alteration is predicted to be deleterious by in silico analysis. Since supporting evidence is limited at this time, the clinical significance of this alteration remains unclear.